The following is an entry in ClinVar:

NM_006348.5(COG5):c.-8C>T

Gene: COG5 (component of oligomeric golgi complex 5; minus strand). Cytogenetic location: 7q22.3.
Variant type: single nucleotide variant.
Coding change: c.-8C>T on transcript NM_006348.5 (MANE Select); 8 bases upstream of the start codon, C replaced by T.
Molecular consequence: 5 prime UTR variant.
Genome position (GRCh38, 1-based): chr7:107,563,904, G>A on the plus strand (C>T on the coding strand, the complement: COG5 is on the minus strand). VCF-style: chr7-107563904-G-A. GRCh37 (hg19) VCF-style: chr7-107204349-G-A.
Other names: c.-8C>T (NM_001161520.2, NM_001379511.1, NM_001379512.1 and 5 more transcripts).
Identifiers: ClinVar variation 2188549 (VCV002188549.4), dbSNP rs776446631, ClinGen allele CA4431601.

ClinVar aggregate classification (germline): Uncertain significance (1 of 4 stars; one submission).

Conditions:
COG5-congenital disorder of glycosylation. Also called: CDG IIi; CONGENITAL DISORDER OF GLYCOSYLATION, TYPE IIi; COG5-CDG. Identifiers: Orphanet 263487, MedGen C3150876, MONDO:0013325, OMIM 613612.

Allele frequency attached by ClinVar (database versions not stated): TOPMed below 0.00001; ExAC 0.00001; gnomAD 0.00001; gnomAD exomes 0.00004.
gnomAD v4.1: 57 of 1,613,512 alleles (0.0035%); highest among the groups gnomAD compares: Non-Finnish European, 0.0048%; no homozygotes.

Submission:

Labcorp Genetics (formerly Invitae), Labcorp
Classification: Uncertain significance for COG5-congenital disorder of glycosylation. Last evaluated: 2021-12-20. Review status: criteria provided, single submitter. Criteria: Invitae Variant Classification Sherloc (09022015). Collection method: clinical testing. Allele origin: germline.
Comment: This variant has not been reported in the literature in individuals affected with COG5-related conditions. In summary, the available evidence is currently insufficient to determine the role of this variant in disease. Therefore, it has been classified as a Variant of Uncertain Significance. Algorithms developed to predict the effect of missense changes on protein structure and function output the following: SIFT: "Tolerated"; PolyPhen-2: "Probably Damaging"; Align-GVGD: "Class C0". The leucine amino acid residue is found in multiple mammalian species, which suggests that this missense change does not adversely affect protein function. This variant is present in population databases (rs776446631, gnomAD 0.005%). This sequence change replaces proline, which is neutral and non-polar, with leucine, which is neutral and non-polar, at codon 29 of the COG5 protein (p.Pro29Leu).